The following is an entry in ClinVar:

ClinVar aggregate classification (germline): Pathogenic. Review status: reviewed by expert panel (3 of 4 stars). 4 submissions from 4 submitters: Pathogenic (1). 3 of the submissions do not count toward it. Last evaluated 2022-06-06.

Conditions:
Arginine:glycine amidinotransferase deficiency (CCDS3). Also called: L-Arginine:Glycine Amidinotransferase (AGAT) Deficiency; AGAT deficiency; Creatine deficiency syndrome due to AGAT deficiency; GATM deficiency; Cerebral creatine deficiency syndrome 3; L-Arginine:Glycine Amidinotransferase Deficiency. Identifiers: Orphanet 35704, MedGen C2675179, MONDO:0012996, OMIM 612718.
Fanconi renotubular syndrome 1. Also called: Toni-Debre-Fanconi syndrome; Neonatal De Toni-Debre-Fanconi syndrome; De Toni-Fanconi syndrome; FRTS1; LUDER-SHELDON SYNDROME. Identifiers: MedGen C4551503, MONDO:0024525, OMIM 134600.

Allele frequency attached by ClinVar (database versions not stated): ExAC 0.00001; TOPMed 0.00001; gnomAD exomes 0.00001; gnomAD 0.00001.
gnomAD v4.1: 5 of 1,613,794 alleles (0.00031%); highest among the groups gnomAD compares: East Asian, 0.0022%; no homozygotes.

Submissions (4):

ClinGen Cerebral Creatine Deficiency Syndromes Variant Curation Expert Panel, ClinGen
Classification: Pathogenic for Arginine:glycine amidinotransferase deficiency. Last evaluated: 2022-06-06. Review status: reviewed by expert panel. Criteria: ClinGen_CCDS_ACMG_Specifications_GATM_v1.1. Collection method: curation. Allele origin: germline. Inheritance: Autosomal recessive inheritance.
Comment: The NM_001482.3(GATM):c.505C>T (p.Arg169Ter) variant in GATM is a nonsense variant predicted to cause a premature stop codon in biologically-relevant-exon 4/9 leading to nonsense mediated decay in a gene in which loss-of-function is an established disease mechanism (PVS1). This variant is reported to be homozygous in a proband and sibling, both of whom have undetectable GAA in plasma and urine, and reduced creatine peak (about 2/3 normal) on brain MRS with elevated NAA/creatine ratio (PMID 20625172, 23660394, 26490222)(PP4_Strong, PM3_Supporting). The highest population minor allele frequency in gnomAD v2.1.1 is 0.00005 in the East Asian population. This is lower than the ClinGen CCDS VCEP's threshold for PM2_Supporting (<0.000055) meeting this criterion (PM2_Supporting). There is a ClinVar entry for this variant (Variation ID: 55919). In summary, this variant meets the criteria to be classified as pathogenic for AGAT deficiency. GATM-specific ACMG/AMP codes met, as specified by the ClinGen Cerebral Creatine Deficiency Syndromes VCEP (Specifications Version 1.1.0): PVS1, PP4_Strong, PM3_Supporting, PM2_Supporting. (Classification approved by the ClinGen CCDS VCEP on June 6, 2022).

Labcorp Genetics (formerly Invitae), Labcorp
Classification: Pathogenic for Arginine:glycine amidinotransferase deficiency. Last evaluated: 2024-09-10. Review status: criteria provided, single submitter. Criteria: Invitae Variant Classification Sherloc (09022015). Collection method: clinical testing. Allele origin: germline. Not counted in ClinVar's aggregate classification.
Comment: This sequence change creates a premature translational stop signal (p.Arg169*) in the GATM gene. It is expected to result in an absent or disrupted protein product. Loss-of-function variants in GATM are known to be pathogenic (PMID: 11555793). This variant is present in population databases (rs397514708, gnomAD 0.005%). This premature translational stop signal has been observed in individual(s) with arginine:glycine amidinotransferase (AGAT) deficiency (PMID: 20625172). ClinVar contains an entry for this variant (Variation ID: 55919). For these reasons, this variant has been classified as Pathogenic.

Fulgent Genetics
Classification: Pathogenic for Fanconi renotubular syndrome 1; Arginine:glycine amidinotransferase deficiency. Last evaluated: 2021-09-06. Review status: criteria provided, single submitter. Criteria: ACMG Guidelines, 2015. Collection method: clinical testing. Allele origin: unknown. Not counted in ClinVar's aggregate classification.

OMIM
Classification: Pathogenic for CEREBRAL CREATINE DEFICIENCY SYNDROME 3. Last evaluated: 2013-07-01. Review status: no assertion criteria provided. Collection method: literature only. Allele origin: germline. Not counted in ClinVar's aggregate classification.

Literature cited by the submitters: PubMed 11555793 (cited by Labcorp Genetics (formerly Invitae), Labcorp); PubMed 20625172 (cited by Labcorp Genetics (formerly Invitae), Labcorp and OMIM); PubMed 23660394 (cited by OMIM).

NM_001482.3(GATM):c.505C>T (p.Arg169Ter)

Gene: GATM (glycine amidinotransferase; minus strand). Cytogenetic location: 15q21.1.
Variant type: single nucleotide variant.
Coding change: c.505C>T on transcript NM_001482.3 (MANE Select); coding-DNA position 505, C replaced by T.
Protein change: p.Arg169Ter; replaces arginine 169 with a stop codon.
Molecular consequence: nonsense.
Genome position (GRCh38, 1-based): chr15:45,368,240, G>A on the plus strand (C>T on the coding strand, the complement: GATM is on the minus strand). VCF-style: chr15-45368240-G-A. GRCh37 (hg19) VCF-style: chr15-45660438-G-A.
Other names: NM_001482.3(GATM):c.505C>T; p.Arg169Ter; c.118C>T, p.Arg40Ter (NM_001321015.2); short protein forms R169*, R40*.
Identifiers: ClinVar variation 55919 (VCV000055919.11), dbSNP rs397514708, ClinGen allele CA263242.
Genomic context (GRCh38, chr15:45,368,240, plus strand): 5'-GTGAACGCCATGCCATGGGAGCCTCGATAATCTCATTGCCCACAACTATCAGGATGTCTC[G>A]AGGCATTGCACTGTATAAACCTGTCAGACCAAAAAATTCCATGACAACTTCAGTAGTGTT-3'